The following is an entry in ClinVar:

NM_020247.5(COQ8A):c.1798G>A (p.Val600Ile)

Gene: COQ8A (coenzyme Q8A; plus strand). Cytogenetic location: 1q42.13.
Variant type: single nucleotide variant.
Coding change: c.1798G>A on transcript NM_020247.5 (MANE Select); coding-DNA position 1798, G replaced by A.
Protein change: p.Val600Ile; replaces valine 600 with isoleucine.
Molecular consequence: missense variant.
Genome position (GRCh38, 1-based): chr1:226,986,591, G>A. VCF-style: chr1-226986591-G-A. GRCh37 (hg19) VCF-style: chr1-227174292-G-A.
Other names: short protein forms V600I.
Identifiers: ClinVar variation 1955433 (VCV001955433.2), dbSNP rs754436532, ClinGen allele CA1425670.

ClinVar aggregate classification (germline): Uncertain significance (1 of 4 stars; one submission).

Allele frequency attached by ClinVar (database versions not stated): ExAC 0.00002; TOPMed 0.00002; gnomAD 0.00003.
gnomAD v4.1: 30 of 1,612,882 alleles (0.0019%); highest among the groups gnomAD compares: African/African-American, 0.0027%; no homozygotes.

Submission:

Labcorp Genetics (formerly Invitae), Labcorp
Classification: Uncertain significance. Last evaluated: 2022-06-26. Review status: criteria provided, single submitter. Criteria: Invitae Variant Classification Sherloc (09022015). Collection method: clinical testing. Allele origin: germline.
Comment: This sequence change replaces valine, which is neutral and non-polar, with isoleucine, which is neutral and non-polar, at codon 600 of the COQ8A protein (p.Val600Ile). This variant is present in population databases (rs754436532, gnomAD 0.01%). This variant has not been reported in the literature in individuals affected with COQ8A-related conditions. Advanced modeling of protein sequence and biophysical properties (such as structural, functional, and spatial information, amino acid conservation, physicochemical variation, residue mobility, and thermodynamic stability) performed at Invitae indicates that this missense variant is not expected to disrupt COQ8A protein function. In summary, the available evidence is currently insufficient to determine the role of this variant in disease. Therefore, it has been classified as a Variant of Uncertain Significance.